The following is an entry in ClinVar:

ClinVar aggregate classification (germline): Uncertain significance (1 of 4 stars; one submission).

Conditions:
Hereditary cancer-predisposing syndrome. Also called: Neoplastic Syndromes, Hereditary; Tumor predisposition; Hereditary Cancer Syndrome; Hereditary neoplastic syndrome. Identifiers: Orphanet 140162, MedGen C0027672, MeSH D009386, MONDO:0015356.

gnomAD v4.1: 1 of 1,593,378 alleles (0.000063%); highest among the groups gnomAD compares: Non-Finnish European, 0.000086%; no homozygotes.

Submission:

Color Diagnostics, LLC DBA Color Health
Classification: Uncertain significance for Hereditary cancer-predisposing syndrome. Last evaluated: 2024-10-28. Review status: criteria provided, single submitter. Criteria: ACMG Guidelines, 2015. Collection method: clinical testing. Allele origin: germline.
Comment: This missense variant replaces arginine with serine at codon 168 of the APC protein. Computational prediction is inconclusive regarding the impact of this variant on protein structure and function (internally defined REVEL score threshold 0.5 < inconclusive < 0.7, PMID: 27666373). To our knowledge, functional studies have not been reported for this variant. This variant has not been reported in individuals affected with APC-related disorders in the literature. This variant has been identified in 1/31356 chromosomes in the general population by the Genome Aggregation Database (gnomAD). The available evidence is insufficient to determine the role of this variant in disease conclusively. Therefore, this variant is classified as a Variant of Uncertain Significance.

NM_000038.6(APC):c.504A>C (p.Arg168Ser)

Gene: APC (APC regulator of Wnt signaling pathway; plus strand). Cytogenetic location: 5q22.2.
Variant type: single nucleotide variant.
Coding change: c.504A>C on transcript NM_000038.6 (MANE Select); coding-DNA position 504, A replaced by C.
Protein change: p.Arg168Ser; replaces arginine 168 with serine.
Molecular consequence: missense variant. On other transcripts: 5 prime UTR variant (4), non-coding transcript variant (2).
Genome position (GRCh38, 1-based): chr5:112,775,710, A>C. VCF-style: chr5-112775710-A-C. GRCh37 (hg19) VCF-style: chr5-112111407-A-C.
Other names: c.504A>C, p.Arg168Ser (NM_001354896.2, NM_001354899.2, NM_001354903.2 and 16 more transcripts); c.534A>C, p.Arg178Ser (NM_001354897.2, NM_001354902.2, NM_001407446.1 and 1 more transcripts); c.429A>C, p.Arg143Ser (NM_001354898.2, NM_001354904.2, NM_001407451.1); c.327A>C, p.Arg109Ser (NM_001354900.2, NM_001354901.2, NM_001354905.2 and 1 more transcripts); c.-532A>C (NM_001354906.2, NM_001407470.1, NM_001407471.1 and 1 more transcripts); short protein forms R109S, R143S, R168S, R178S.
Identifiers: ClinVar variation 3894128 (VCV003894128.1).